The following is an entry in ClinVar:

ClinVar aggregate classification (germline): Likely benign (1 of 4 stars; one submission).

Allele frequency attached by ClinVar (database versions not stated): 1000 Genomes Project 0.01957; gnomAD 0.01998 and 0.02066; 1000 Genomes Project 30x 0.02014; TOPMed 0.02081.
gnomAD v4.1: 3,145 of 152,200 alleles (2.1%); highest among the groups gnomAD compares: Middle Eastern, 8.5%; 42 homozygotes.

Submission:

GeneDx
Classification: Likely benign. Last evaluated: 2018-06-14. Review status: criteria provided, single submitter. Criteria: GeneDx Variant Classification (06012015). Collection method: clinical testing. Allele origin: germline. Affected: yes.
Comment: This variant is considered likely benign or benign based on one or more of the following criteria: it is a conservative change, it occurs at a poorly conserved position in the protein, it is predicted to be benign by multiple in silico algorithms, and/or has population frequency not consistent with disease.

NM_001371727.1(GABRB2):c.680-247C>T

Gene: GABRB2 (gamma-aminobutyric acid type A receptor subunit beta2; minus strand). Cytogenetic location: 5q34.
Variant type: single nucleotide variant.
Coding change: c.680-247C>T on transcript NM_001371727.1 (MANE Select); 247 bases into the intron before coding-DNA position 680, C replaced by T.
Molecular consequence: intron variant.
Genome position (GRCh38, 1-based): chr5:161,335,151, G>A on the plus strand (C>T on the coding strand, the complement: GABRB2 is on the minus strand). VCF-style: chr5-161335151-G-A. GRCh37 (hg19) VCF-style: chr5-160762158-G-A.
Other names: c.680-247C>T (NM_000813.3, NM_021911.3).
Identifiers: ClinVar variation 674493 (VCV000674493.1), dbSNP rs76403709, ClinGen allele CA131020449.
Genomic context (GRCh38, chr5:161,335,151, plus strand): 5'-GCATCCTGTACTCACCAGTAATTAAAAGAATTCCAGCTCTTCCCTACTCAGCCTCATAGA[G>A]TGAATCAAACATACCCCTCCTCTGTAATTGTTAGGACAATTTGGGACAGTTCTTTTTTTC-3'